The following is an entry in ClinVar:

NM_001709.5(BDNF):c.226A>C (p.Lys76Gln)

Genes: BDNF (brain derived neurotrophic factor; minus strand), BDNF-AS (BDNF antisense RNA; plus strand). Cytogenetic location: 11p14.1.
Variant type: single nucleotide variant.
Coding change: c.226A>C on transcript NM_001709.5 (MANE Select); coding-DNA position 226, A replaced by C.
Protein change: p.Lys76Gln; replaces lysine 76 with glutamine.
Molecular consequence: missense variant. On other transcripts: non-coding transcript variant (5).
Genome position (GRCh38, 1-based): chr11:27,658,339, T>G on the plus strand (A>C on the coding strand, the complement: BDNF is on the minus strand). VCF-style: chr11-27658339-T-G. GRCh37 (hg19) VCF-style: chr11-27679886-T-G.
Other names: c.226A>C, p.Lys76Gln (NM_001143805.1, NM_001143806.1, NM_001143807.2 and 9 more transcripts); c.313A>C, p.Lys105Gln (NM_001143809.2); c.472A>C, p.Lys158Gln (NM_001143810.2); c.250A>C, p.Lys84Gln (NM_170731.5); c.271A>C, p.Lys91Gln (NM_170734.4); short protein forms K158Q, K76Q, K105Q, K84Q, K91Q.
Identifiers: ClinVar variation 3345811 (VCV003345811.1).

ClinVar aggregate classification (germline): Uncertain significance (0 of 4 stars; one submission).

Conditions:
BDNF-related disorder. Also called: BDNF-related condition.

Submission:

PreventionGenetics, part of Exact Sciences
Classification: Uncertain significance for BDNF-related condition. Last evaluated: 2024-06-30. Review status: no assertion criteria provided. Collection method: clinical testing. Allele origin: germline.
Comment: The BDNF c.472A>C variant is predicted to result in the amino acid substitution p.Lys158Gln. To our knowledge, this variant has not been reported in the literature or in a large population database, indicating this variant is rare. At this time, the clinical significance of this variant is uncertain due to the absence of conclusive functional and genetic evidence.